The following is an entry in ClinVar:

ClinVar aggregate classification (germline): Uncertain significance (1 of 4 stars; one submission).

Submission:

Labcorp Genetics (formerly Invitae), Labcorp
Classification: Uncertain significance. Last evaluated: 2025-02-06. Review status: criteria provided, single submitter. Criteria: Invitae Variant Classification Sherloc (09022015). Collection method: clinical testing. Allele origin: germline.
Comment: This sequence change replaces serine, which is neutral and polar, with arginine, which is basic and polar, at codon 2 of the TRPC6 protein (p.Ser2Arg). This variant is not present in population databases (gnomAD no frequency). This variant has not been reported in the literature in individuals affected with TRPC6-related conditions. ClinVar contains an entry for this variant (Variation ID: 860986). Invitae Evidence Modeling of protein sequence and biophysical properties (such as structural, functional, and spatial information, amino acid conservation, physicochemical variation, residue mobility, and thermodynamic stability) indicates that this missense variant is not expected to disrupt TRPC6 protein function with a negative predictive value of 95%. In summary, the available evidence is currently insufficient to determine the role of this variant in disease. Therefore, it has been classified as a Variant of Uncertain Significance.

NM_004621.6(TRPC6):c.6C>G (p.Ser2Arg)

Gene: TRPC6 (transient receptor potential cation channel subfamily C member 6; minus strand). Cytogenetic location: 11q22.1.
Variant type: single nucleotide variant.
Coding change: c.6C>G on transcript NM_004621.6 (MANE Select); coding-DNA position 6, C replaced by G.
Protein change: p.Ser2Arg; replaces serine 2 with arginine.
Molecular consequence: missense variant.
Genome position (GRCh38, 1-based): chr11:101,583,498, G>C on the plus strand (C>G on the coding strand, the complement: TRPC6 is on the minus strand). VCF-style: chr11-101583498-G-C. GRCh37 (hg19) VCF-style: chr11-101454229-G-C.
Other names: short protein forms S2R.
Identifiers: ClinVar variation 860986 (VCV000860986.9), dbSNP rs1862252357, ClinGen allele CA382444370.